The following is an entry in ClinVar:

NM_001127222.2(CACNA1A):c.6482G>A (p.Arg2161His)

Gene: CACNA1A (calcium voltage-gated channel subunit alpha1 A; minus strand). Cytogenetic location: 19p13.13.
Variant type: single nucleotide variant.
Coding change: c.6482G>A on transcript NM_001127222.2 (MANE Select); coding-DNA position 6482, G replaced by A.
Protein change: p.Arg2161His; replaces arginine 2161 with histidine.
Molecular consequence: missense variant.
Genome position (GRCh38, 1-based): chr19:13,209,356, C>T on the plus strand (G>A on the coding strand, the complement: CACNA1A is on the minus strand). VCF-style: chr19-13209356-C-T. GRCh37 (hg19) VCF-style: chr19-13320170-C-T.
Other names: c.6482G>A (NM_001127222.1); c.6500G>A, p.Arg2167His (NM_000068.4, NM_023035.3); c.6485G>A, p.Arg2162His (NM_001127221.2); c.6491G>A, p.Arg2164His (NM_001174080.2); short protein forms R2161H, R2162H, R2164H, R2167H.
Identifiers: ClinVar variation 938212 (VCV000938212.9), dbSNP rs769503871, ClinGen allele CA9239348.

ClinVar aggregate classification (germline): Conflicting classifications of pathogenicity. Review status: criteria provided, conflicting classifications (1 of 4 stars). 2 submissions from 2 submitters: Uncertain significance (1); Likely benign (1). Last evaluated 2024-06-06.

Conditions:
Developmental and epileptic encephalopathy, 42 (DEE42A). Also called: DEVELOPMENTAL AND EPILEPTIC ENCEPHALOPATHY 42A; EPILEPTIC ENCEPHALOPATHY, EARLY INFANTILE, 42A; Epileptic encephalopathy, early infantile, 42. Identifiers: MedGen C4310716, MONDO:0014917, OMIM 617106.
Episodic ataxia type 2 (EA2). Also called: CEREBELLAR ATAXIA, PAROXYSMAL, ACETAZOLAMIDE-RESPONSIVE; CEREBELLOPATHY, HEREDITARY PAROXYSMAL; EPISODIC ATAXIA, NYSTAGMUS-ASSOCIATED; ACETAZOLAMIDE-RESPONSIVE HEREDITARY PAROXYSMAL CEREBELLAR ATAXIA; ATAXIA, EPISODIC, WITH NYSTAGMUS; ATAXIA, FAMILIAL PAROXYSMAL. Identifiers: Orphanet 97, MedGen C1720416, MONDO:0007163, OMIM 108500.
CACNA1A-related disorder. Also called: CACNA1A-related condition.

Allele frequency attached by ClinVar (database versions not stated): gnomAD exomes 0.00002; TOPMed below 0.00001; ExAC below 0.00001.
gnomAD v4.1: 13 of 1,385,370 alleles (0.00094%); highest among the groups gnomAD compares: East Asian, 0.0056%; no homozygotes.

Submissions (2):

Labcorp Genetics (formerly Invitae), Labcorp
Classification: Likely benign for Developmental and epileptic encephalopathy, 42; Episodic ataxia type 2. Last evaluated: 2024-06-06. Review status: criteria provided, single submitter. Criteria: Invitae Variant Classification Sherloc (09022015). Collection method: clinical testing. Allele origin: germline.

PreventionGenetics, part of Exact Sciences
Classification: Uncertain significance for CACNA1A-related condition. Last evaluated: 2022-12-21. Review status: criteria provided, single submitter. Criteria: ACMG Guidelines, 2015. Collection method: clinical testing. Allele origin: germline.
Comment: The CACNA1A c.6482G>A variant is predicted to result in the amino acid substitution p.Arg2161His. To our knowledge, this variant has not been reported in the literature. This variant is reported in 0.026% of alleles in individuals of East Asian descent in gnomAD, which is likely too frequent to be an unreported primary cause of disease. Although we suspect that this variant may be benign, at this time, the clinical significance of this variant is uncertain due to the absence of conclusive functional and genetic evidence.